The following is an entry in ClinVar:

NM_000266.4(NDP):c.133G>C (p.Val45Leu)

Genes: NDP (norrin cystine knot growth factor NDP; minus strand), NDP-AS1 (NDP antisense RNA 1; plus strand). Cytogenetic location: Xp11.3.
Variant type: single nucleotide variant.
Coding change: c.133G>C on transcript NM_000266.4 (MANE Select); coding-DNA position 133, G replaced by C.
Protein change: p.Val45Leu; replaces valine 45 with leucine.
Molecular consequence: missense variant.
Genome position (GRCh38, 1-based): chrX:43,958,513, C>G on the plus strand (G>C on the coding strand, the complement: NDP is on the minus strand). VCF-style: chrX-43958513-C-G. GRCh37 (hg19) VCF-style: chrX-43817759-C-G.
Other names: short protein forms V45L.
Identifiers: ClinVar variation 3664607 (VCV003664607.2).

ClinVar aggregate classification (germline): Uncertain significance (1 of 4 stars; one submission).

Submission:

Labcorp Genetics (formerly Invitae), Labcorp
Classification: Uncertain significance. Last evaluated: 2025-01-29. Review status: criteria provided, single submitter. Criteria: Invitae Variant Classification Sherloc (09022015). Collection method: clinical testing. Allele origin: germline.
Comment: This sequence change replaces valine, which is neutral and non-polar, with leucine, which is neutral and non-polar, at codon 45 of the NDP protein (p.Val45Leu). This variant is not present in population databases (gnomAD no frequency). This missense change has been observed in individual(s) with Norrie disease (internal data). Invitae Evidence Modeling of protein sequence and biophysical properties (such as structural, functional, and spatial information, amino acid conservation, physicochemical variation, residue mobility, and thermodynamic stability) has been performed for this missense variant. However, the output from this modeling did not meet the statistical confidence thresholds required to predict the impact of this variant on NDP protein function. This variant disrupts the p.Val45 amino acid residue in NDP. Other variant(s) that disrupt this residue have been observed in individuals with NDP-related conditions (PMID: 14635119, 30452590), which suggests that this may be a clinically significant amino acid residue. In summary, the available evidence is currently insufficient to determine the role of this variant in disease. Therefore, it has been classified as a Variant of Uncertain Significance.

Literature cited by the submitters: PubMed 14635119; PubMed 30452590.